The following is an entry in ClinVar:

NM_198253.3(TERT):c.188G>A (p.Arg63Gln)

Genes: TERT (telomerase reverse transcriptase; minus strand), LOC110806263 (TERT 5' regulatory region; plus strand). Cytogenetic location: 5p15.33.
Variant type: single nucleotide variant.
Coding change: c.188G>A on transcript NM_198253.3 (MANE Select); coding-DNA position 188, G replaced by A.
Protein change: p.Arg63Gln; replaces arginine 63 with glutamine.
Molecular consequence: missense variant. On other transcripts: non-coding transcript variant (2).
Genome position (GRCh38, 1-based): chr5:1,294,802, C>T on the plus strand (G>A on the coding strand, the complement: TERT is on the minus strand). VCF-style: chr5-1294802-C-T. GRCh37 (hg19) VCF-style: chr5-1294917-C-T.
Other names: c.188G>A, p.Arg63Gln (NM_001193376.3); short protein forms R63Q.
Identifiers: ClinVar variation 944288 (VCV000944288.10), dbSNP rs1336720402, ClinGen allele CA359058869.
Genomic context (GRCh38, chr5:1,294,802, plus strand): 5'-AGCCGGACGCCGACCCCGGGGAGGCCCACCTGGCGGAAGGAGGGGGCGGCGGGGGGCGGC[C>T]GTGCGTCCCAGGGCACGCACACCAGGCACTGGGCCACCAGCGCGCGGAAAGCCGCCGGGT-3'
Protein context (NP_937983.2, residues 53-73): QCLVCVPWDA[Arg63Gln]PPPAAPSFRQ

ClinVar aggregate classification (germline): Uncertain significance (1 of 4 stars; one submission).

Conditions:
Dyskeratosis congenita, autosomal dominant 2. Identifiers: MedGen C3151443, MONDO:0013521, OMIM 613989.
Idiopathic Pulmonary Fibrosis. Also called: Idiopathic fibrosing alveolitis, chronic form; idiopathic fibrosing alveolitis. Identifiers: Orphanet 2032, MedGen C1800706, MeSH D054990, MONDO:0800504.

Allele frequency attached by ClinVar (database versions not stated): gnomAD exomes below 0.00001 and 0.00002; gnomAD 0.00001.
gnomAD v4.1: 3 of 1,521,640 alleles (0.0002%); highest among the groups gnomAD compares: South Asian, 0.0024%; no homozygotes.

Submission:

Labcorp Genetics (formerly Invitae), Labcorp
Classification: Uncertain significance for Dyskeratosis congenita, autosomal dominant 2; Idiopathic Pulmonary Fibrosis. Last evaluated: 2019-07-15. Review status: criteria provided, single submitter. Criteria: Invitae Variant Classification Sherloc (09022015). Collection method: clinical testing. Allele origin: germline.
Comment: This sequence change replaces arginine with glutamine at codon 63 of the TERT protein (p.Arg63Gln). The arginine residue is weakly conserved and there is a small physicochemical difference between arginine and glutamine. The frequency data for this variant in the population databases is considered unreliable, as metrics indicate insufficient coverage at this position in the ExAC database. This variant has not been reported in the literature in individuals with TERT-related conditions. Algorithms developed to predict the effect of missense changes on protein structure and function output the following: SIFT: "Tolerated"; PolyPhen-2: "Benign"; Align-GVGD: "Class C0". The glutamine amino acid residue is found in multiple mammalian species, suggesting that this missense change does not adversely affect protein function. These predictions have not been confirmed by published functional studies and their clinical significance is uncertain. Algorithms developed to predict the effect of sequence changes on RNA splicing suggest that this variant may create or strengthen a splice site, but this prediction has not been confirmed by published transcriptional studies. In summary, the available evidence is currently insufficient to determine the role of this variant in disease. Therefore, it has been classified as a Variant of Uncertain Significance.